The following is an entry in ClinVar:

NM_000135.4(FANCA):c.506A>G (p.Glu169Gly)

Gene: FANCA (FA complementation group A; minus strand). Cytogenetic location: 16q24.3.
Variant type: single nucleotide variant.
Coding change: c.506A>G on transcript NM_000135.4 (MANE Select); coding-DNA position 506, A replaced by G.
Protein change: p.Glu169Gly; replaces glutamic acid 169 with glycine.
Molecular consequence: missense variant. On other transcripts: intron variant (1).
Genome position (GRCh38, 1-based): chr16:89,810,723, T>C on the plus strand (A>G on the coding strand, the complement: FANCA is on the minus strand). VCF-style: chr16-89810723-T-C. GRCh37 (hg19) VCF-style: chr16-89877131-T-C.
Other names: c.506A>G, p.Glu169Gly (NM_001018112.3, NM_001286167.3); c.426+206A>G (NM_001351830.2); short protein forms E169G.
Identifiers: ClinVar variation 4022305 (VCV004022305.2).

ClinVar aggregate classification (germline): Uncertain significance. Review status: criteria provided, multiple submitters, no conflicts (2 of 4 stars). 2 submissions from 2 submitters: Uncertain significance (2). Last evaluated 2025-05-23.

Conditions:
Inborn genetic diseases. Identifiers: MedGen C0950123, MeSH D030342.

Submissions (2):

Ambry Genetics
Classification: Uncertain significance for Inborn genetic diseases. Last evaluated: 2025-05-23. Review status: criteria provided, single submitter. Criteria: Ambry Variant Classification Scheme 2023. Collection method: clinical testing. Allele origin: germline.
Comment: The p.E169G variant (also known as c.506A>G), located in coding exon 5 of the FANCA gene, results from an A to G substitution at nucleotide position 506. The glutamic acid at codon 169 is replaced by glycine, an amino acid with similar properties. This amino acid position is conserved. In addition, the in silico prediction for this alteration is inconclusive. Based on the available evidence, the clinical significance of this variant remains unclear.

Blueprint Genetics
Classification: Uncertain significance. Last evaluated: 2024-01-23. Review status: criteria provided, single submitter. Criteria: ACMG Guidelines, 2015. Collection method: clinical testing. Allele origin: germline.